The following is an entry in ClinVar:

NM_003502.4(AXIN1):c.1911T>C (p.Ile637=)

Gene: AXIN1 (axin 1; minus strand). Cytogenetic location: 16p13.3.
Variant type: single nucleotide variant.
Coding change: c.1911T>C on transcript NM_003502.4 (MANE Select); coding-DNA position 1911, T replaced by C.
Protein change: p.Ile637=; no amino-acid change (isoleucine 637 retained).
Molecular consequence: synonymous variant. On other transcripts: non-coding transcript variant (1).
Genome position (GRCh38, 1-based): chr16:297,100, A>G on the plus strand (T>C on the coding strand, the complement: AXIN1 is on the minus strand). VCF-style: chr16-297100-A-G. GRCh37 (hg19) VCF-style: chr16-347100-A-G.
Other names: c.1911T>C, p.Ile637= (NM_181050.3).
Identifiers: ClinVar variation 4980216 (VCV004980216.1).
Genomic context (GRCh38, chr16:297,100, plus strand): 5'-CGTGCGGGGTGCTCACCCGTGGCCGGTCCTGCGGTGCCTGCTGATCTCCTTTTCCCCCTC[A>G]ATGATCCACTGCATGATTTTCTGGTTCTTCTCCGCATCCTCCGAGGCACCTGGCACCTCG-3'
Protein context (NP_003493.1, residues 627-647): EKNQKIMQWI[Ile637=]EGEKEISRHR

ClinVar aggregate classification (germline): Likely benign (1 of 4 stars; one submission).

Conditions:
AXIN1-related disorder. Also called: AXIN1-related condition.

gnomAD v4.1: 343 of 1,612,572 alleles (0.021%); highest among the groups gnomAD compares: East Asian, 0.76%; 3 homozygotes.

Submission:

PreventionGenetics, part of Exact Sciences
Classification: Likely benign for AXIN1-related condition. Last evaluated: 2025-06-09. Review status: criteria provided, single submitter. Criteria: ACMG Guidelines, 2015. Collection method: clinical testing. Allele origin: germline.
Comment: This variant is classified as likely benign based on ACMG/AMP sequence variant interpretation guidelines (Richards et al. 2015 PMID: 25741868, with internal and published modifications).